The following is an entry in ClinVar:

NM_001206744.2(TPO):c.2647C>T (p.Pro883Ser)

Genes: LALTOP (lung cancer associated lncRNA targeting TOP2A; minus strand), TPO (thyroid peroxidase; plus strand), LOC126806104 (CDK7 strongly-dependent group 2 enhancer GRCh37_chr2:1544276-1545475; plus strand). Cytogenetic location: 2p25.3.
Variant type: single nucleotide variant.
Coding change: c.2647C>T on transcript NM_001206744.2 (MANE Select); coding-DNA position 2647, C replaced by T.
Protein change: p.Pro883Ser; replaces proline 883 with serine.
Molecular consequence: missense variant.
Genome position (GRCh38, 1-based): chr2:1,540,622, C>T. VCF-style: chr2-1540622-C-T. GRCh37 (hg19) VCF-style: chr2-1544394-C-T.
Other names: c.2647C>T, p.Pro883Ser (NM_000547.6); c.2476C>T, p.Pro826Ser (NM_001206745.2, NM_175719.4); c.2515C>T, p.Pro839Ser (NM_175721.3); c.2128C>T, p.Pro710Ser (NM_175722.3); short protein forms P883S, P826S, P839S, P710S.
Identifiers: ClinVar variation 225496 (VCV000225496.17), dbSNP rs190968346, ClinGen allele CA1512234.

ClinVar aggregate classification (germline): Conflicting classifications of pathogenicity. Review status: criteria provided, conflicting classifications (1 of 4 stars). 6 submissions from 6 submitters: Uncertain significance (4); Benign (1); Likely benign (1). Last evaluated 2024-07-30.

Conditions:
Deficiency of iodide peroxidase (TDH2A). Also called: Thyroid dyshormonogenesis 2A; HYPOTHYROIDISM, CONGENITAL, DUE TO DYSHORMONOGENESIS, 2A; IODIDE PEROXIDASE DEFICIENCY; THYROID HORMONOGENESIS, GENETIC DEFECT IN, 2A; THYROID PEROXIDASE DEFICIENCY. Identifiers: Orphanet 95716, MedGen C1291299, MONDO:0010133, OMIM 274500.

Allele frequency attached by ClinVar (database versions not stated): gnomAD 0.00016 and 0.00022; gnomAD exomes 0.00017 and 0.00045; TOPMed 0.00022; ExAC 0.00050; 1000 Genomes Project 30x 0.00109; 1000 Genomes Project 0.00140.
gnomAD v4.1: 320 of 1,613,636 alleles (0.02%); highest among the groups gnomAD compares: East Asian, 0.6%; 2 homozygotes.

Submissions (6):

3billion
Classification: Uncertain significance for Deficiency of iodide peroxidase. Last evaluated: 2024-07-30. Review status: criteria provided, single submitter. Criteria: ACMG Guidelines, 2015. Collection method: clinical testing. Allele origin: germline. Affected: yes.
Comment: The variant is observed at an extremely low frequency in the gnomAD v4.0.0 dataset (total allele frequency: 0.020%). In silico tool predictions suggest no damaging effect of the variant on gene or gene product [REVEL: 0.32 (<0.4); 3Cnet: 0.01 (<0.15)]. A different missense change at the same codon (p.Pro883Arg) has been reported to be associated with TPO-related disorder (PMID: 31430255). Therefore, this variant is classified as uncertain significance according to the recommendation of ACMG/AMP guideline.

Women's Health and Genetics/Laboratory Corporation of America, LabCorp
Classification: Likely benign. Last evaluated: 2024-04-12. Review status: criteria provided, single submitter. Criteria: LabCorp Variant Classification Summary - May 2015. Collection method: clinical testing. Allele origin: germline.
Comment: Variant summary: TPO c.2647C>T (p.Pro883Ser) results in a non-conservative amino acid change in the encoded protein sequence. Four of five in-silico tools predict a benign effect of the variant on protein function. The variant allele was found at a frequency of 0.00045 in 251000 control chromosomes. This frequency is not significantly higher than estimated for a pathogenic variant in TPO causing Deficiency Of Iodide Peroxidase (0.00045 vs 0.0071), allowing no conclusion about variant significance (gnomAD v2). It is hower found in two homozygotes in gnomAD v4. c.2647C>T has been reported in the literature in individuals affected with congenital hypothyroidism: in one case, it was evaluated as Likely Benign per the ACMG criteria, and in another caes, this variant was at a homozygous state co-ocurring with other homozygous pathogenic variant (TPO c.1618C>T, p.R540*). Such reports provide supporting evidence for a benign role (Umeki_2004, Wang_2020). To our knowledge, no experimental evidence demonstrating an impact on protein function has been reported. The following publications have been ascertained in the context of this evaluation (PMID: 15055360, 32319661). ClinVar contains an entry for this variant (Variation ID: 225496). Based on the evidence outlined above, the variant was classified as likely benign.

Labcorp Genetics (formerly Invitae), Labcorp
Classification: Benign. Last evaluated: 2024-04-08. Review status: criteria provided, single submitter. Criteria: Invitae Variant Classification Sherloc (09022015). Collection method: clinical testing. Allele origin: germline.

Revvity Omics, Revvity
Classification: Uncertain significance. Last evaluated: 2022-08-09. Review status: criteria provided, single submitter. Criteria: ACMG Guidelines, 2015. Collection method: clinical testing. Allele origin: germline.

Soonchunhyang University Bucheon Hospital, Soonchunhyang University Medical Center
Classification: Uncertain significance for Deficiency of iodide peroxidase. Last evaluated: 2016-03-18. Review status: criteria provided, single submitter. Criteria: ACMG Guidelines, 2015. Collection method: reference population. Allele origin: germline. Observed: 1 variant allele.

Juno Genomics, Hangzhou Juno Genomics, Inc
Classification: Uncertain significance for Deficiency of iodide peroxidase. Review status: criteria provided, single submitter. Criteria: ACMG Guidelines, 2015. Collection method: clinical testing. Allele origin: germline. Affected: yes.
Comment: For recessive disorders, detected in trans with a pathogenic variant.;Patient's phenotype or family history is highly specific for a disease with a single genetic etiology.;Co-segregation with disease in multiple affected family members.;Observed in a healthy adult individual for a recessive/dominant/X-linked disorder with full penetrance.

Literature cited by the submitters: PubMed 32319661 (cited by Women's Health and Genetics/Laboratory Corporation of America, LabCorp); PubMed 32459320 (cited by Women's Health and Genetics/Laboratory Corporation of America, LabCorp); PubMed 15055360 (cited by Women's Health and Genetics/Laboratory Corporation of America, LabCorp and Soonchunhyang University Bucheon Hospital, Soonchunhyang University Medical Center).